The following is an entry in ClinVar:

ClinVar aggregate classification (germline): Pathogenic/Likely pathogenic. Review status: criteria provided, multiple submitters, no conflicts (2 of 4 stars). 5 submissions from 5 submitters: Pathogenic (3); Likely pathogenic (1). 1 of the submissions does not count toward it. Last evaluated 2025-12-26.

Conditions:
Methylmalonic aciduria, cblB type (MACB). Also called: METHYLMALONIC ACIDURIA, VITAMIN B12-RESPONSIVE, DUE TO DEFECT IN SYNTHESIS OF ADENOSYLCOBALAMIN, cblB TYPE; Vitamin B12-responsive methylmalonic acidemia type cblB; Methylmalonic acidemia cblB type. Identifiers: Orphanet 28, Orphanet 79311, MedGen C1855102, MONDO:0009614, OMIM 251110.
Methylmalonic acidemia (MMA). Also called: Isolated Methylmalonic Acidemia. Identifiers: MedGen C0268583, MeSH C537358, MONDO:0002012, HP:0002912.

Submissions (5):

Natera, Inc.
Classification: Pathogenic for Methylmalonic aciduria cblB type. Last evaluated: 2025-12-26. Review status: criteria provided, single submitter. Criteria: Natera Variant Classification Schema (03/2026). Collection method: clinical testing. Allele origin: germline.
Comment: The c.454G>T variant in MMAB is a nonsense variant predicted to introduce a stop codon at amino acid 152. This variant is expected to result in nonsense mediated decay, truncation, or a dysfunctional protein product. This variant is rare in the general population with a frequency below the threshold expected for the associated phenotype(s). This variant has been observed in one or more individuals affected with the associated recessive disease, as either homozygous or compound heterozygous with a second variant (PMID: 22695176, 17410422). Given the available evidence, this variant is classified as Pathogenic.

Fulgent Genetics
Classification: Pathogenic for Methylmalonic aciduria, cblB type. Last evaluated: 2024-01-04. Review status: criteria provided, single submitter. Criteria: ACMG Guidelines, 2015. Collection method: clinical testing. Allele origin: germline.

Labcorp Genetics (formerly Invitae), Labcorp
Classification: Pathogenic for Methylmalonic aciduria, cblB type. Last evaluated: 2022-05-27. Review status: criteria provided, single submitter. Criteria: Invitae Variant Classification Sherloc (09022015). Collection method: clinical testing. Allele origin: germline.
Comment: This sequence change creates a premature translational stop signal (p.Glu152*) in the MMAB gene. It is expected to result in an absent or disrupted protein product. Loss-of-function variants in MMAB are known to be pathogenic (PMID: 15781192, 16410054). This variant is not present in population databases (gnomAD no frequency). This premature translational stop signal has been observed in individual(s) with methylmalonic aciduria due to cobalamin B deficiency (PMID: 17410422). ClinVar contains an entry for this variant (Variation ID: 551214). For these reasons, this variant has been classified as Pathogenic.

Women's Health and Genetics/Laboratory Corporation of America, LabCorp
Classification: Likely pathogenic for Methylmalonic acidemia. Last evaluated: 2019-02-21. Review status: criteria provided, single submitter. Criteria: LabCorp Variant Classification Summary - May 2015. Collection method: clinical testing. Allele origin: germline.
Comment: Variant summary: MMAB c.454G>T (p.Glu152X) results in a premature termination codon, predicted to cause a truncation of the encoded protein or absence of the protein due to nonsense mediated decay, which are commonly known mechanisms for disease. Truncations downstream of this position have been classified as pathogenic by our laboratory (eg. c.700C>T/p.Gln234X). The variant was absent in 148518 control chromosomes. c.454G>T has been reported in the literature in individuals affected with Methylmalonic Acidemia (Vatanavicharn_2012). These data indicate that the variant may be associated with disease. One publication reports experimental evidence evaluating an impact on protein function, however, does not allow convincing conclusions about the variant effect. One clinical diagnostic laboratory has submitted clinical-significance assessments for this variant to ClinVar after 2014 without evidence for independent evaluation and classified the variant as likely pathogenic. Based on the evidence outlined above, the variant was classified as likely pathogenic.

Counsyl
Classification: Likely pathogenic for Methylmalonic aciduria, cblB type. Last evaluated: 2017-03-21. Review status: no assertion criteria provided. Collection method: clinical testing. Allele origin: unknown. Not counted in ClinVar's aggregate classification.

Literature cited by the submitters: PubMed 22695176 (cited by 3 submitters); PubMed 17410422 (cited by 3 submitters); PubMed 15781192 (cited by Labcorp Genetics (formerly Invitae), Labcorp); PubMed 16410054 (cited by Labcorp Genetics (formerly Invitae), Labcorp).

NM_052845.4(MMAB):c.454G>T (p.Glu152Ter)

Gene: MMAB (metabolism of cobalamin associated B; minus strand). Cytogenetic location: 12q24.11.
Variant type: single nucleotide variant.
Coding change: c.454G>T on transcript NM_052845.4 (MANE Select); coding-DNA position 454, G replaced by T.
Protein change: p.Glu152Ter; replaces glutamic acid 152 with a stop codon.
Molecular consequence: nonsense. On other transcripts: non-coding transcript variant (1).
Genome position (GRCh38, 1-based): chr12:109,561,485, C>A on the plus strand (G>T on the coding strand, the complement: MMAB is on the minus strand). VCF-style: chr12-109561485-C-A. GRCh37 (hg19) VCF-style: chr12-109999290-C-A.
Other names: short protein forms E152*.
Identifiers: ClinVar variation 551214 (VCV000551214.17), dbSNP rs557884699, ClinGen allele CA386637472.